The following is an entry in ClinVar:

ClinVar aggregate classification (germline): Pathogenic (1 of 4 stars; one submission).

Conditions:
PRPH2-related disorder. Also called: PRPH2-related condition; PRPH2-related disorders. Identifiers: MedGen CN239395.

Submission:

Labcorp Genetics (formerly Invitae), Labcorp
Classification: Pathogenic for PRPH2-related disorder. Last evaluated: 2023-08-10. Review status: criteria provided, single submitter. Criteria: Invitae Variant Classification Sherloc (09022015). Collection method: clinical testing. Allele origin: germline.
Comment: This sequence change creates a premature translational stop signal (p.Asp237Glyfs*60) in the PRPH2 gene. While this is not anticipated to result in nonsense mediated decay, it is expected to disrupt the last 110 amino acid(s) of the PRPH2 protein. This variant is not present in population databases (gnomAD no frequency). This variant has not been reported in the literature in individuals affected with PRPH2-related conditions. This variant disrupts a region of the PRPH2 protein in which other variant(s) (c.995T>A (p.Val332Glu)) have been determined to be pathogenic (PMID: 30718709, 32531846; Invitae). This suggests that this is a clinically significant region of the protein, and that variants that disrupt it are likely to be disease-causing. For these reasons, this variant has been classified as Pathogenic.

Literature cited by the submitters: PubMed 30718709; PubMed 32531846.

NM_000322.5(PRPH2):c.710_720del (p.Asp237fs)

Gene: PRPH2 (peripherin 2; minus strand). Cytogenetic location: 6p21.1.
Variant type: Deletion.
Coding change: c.710_720del on transcript NM_000322.5 (MANE Select); coding-DNA positions 710 to 720, 11 bases deleted (ACCACCAGACG).
Protein change: p.Asp237fs; shifts the reading frame from aspartic acid 237.
Molecular consequence: frameshift variant.
Genome position (GRCh38, 1-based): chr6:42,704,473-42,704,483, CGTCTGGTGGT deleted on the plus strand (ACCACCAGACG on the coding strand, the reverse complement: PRPH2 is on the minus strand); deleting any 11 consecutive bases within chr6:42,704,473-42,704,486 gives the same sequence; the c. name uses the placement nearest the transcript's 3' end. VCF-style (leftmost placement, unchanged base first): chr6-42704472-CCGTCTGGTGGT-C. GRCh37 (hg19) VCF-style: chr6-42672210-CCGTCTGGTGGT-C.
Other names: short protein forms D237fs.
Identifiers: ClinVar variation 2751652 (VCV002751652.3), dbSNP rs2548300727, ClinGen allele CA2697553354.
Genomic context (GRCh38, chr6:42,704,472, plus strand): 5'-GGCTGCTGTAGTAGCTCAGCAGGGCAGCCCTGCAGCCACGCACCCACAGGTTGAGCTCCT[CCGTCTGGTGGT>C]CGTAACTGTAGTGTGCTGAGTTGTTGGTGATCTGATACTGGATGCAGGGCCGTGGCGAGC-3'